The following is an entry in ClinVar:

ClinVar aggregate classification (germline): Conflicting classifications of pathogenicity. Review status: criteria provided, conflicting classifications (1 of 4 stars). 10 submissions from 10 submitters: Uncertain significance (9); Likely benign (1). Last evaluated 2026-05-05.

Conditions:
SMARCA4-related disorder. Also called: SMARCA4-related condition.
Hereditary cancer-predisposing syndrome. Also called: Tumor predisposition; Hereditary neoplastic syndrome; Hereditary Cancer Syndrome; Neoplastic Syndromes, Hereditary. Identifiers: Orphanet 140162, MedGen C0027672, MeSH D009386, MONDO:0015356.
Rhabdoid tumor predisposition syndrome 2 (RTPS2). Identifiers: Orphanet 231108, Orphanet 69077, MedGen C2750074, MONDO:0013224, OMIM 613325.
Intellectual disability, autosomal dominant 16 (CSS4). Also called: COFFIN-SIRIS SYNDROME 4. Identifiers: Orphanet 1465, MedGen C3553249, MONDO:0013821, OMIM 614609.

Allele frequency attached by ClinVar (database versions not stated): gnomAD exomes below 0.00001; TOPMed 0.00002; gnomAD 0.00003.

Submissions (10):

PreventionGenetics, part of Exact Sciences
Classification: Uncertain significance for SMARCA4-related condition. Last evaluated: 2026-05-05. Review status: criteria provided, single submitter. Criteria: ACMG Guidelines, 2015. Collection method: clinical testing. Allele origin: germline.
Comment: The SMARCA4 c.778A>C variant is predicted to result in the amino acid substitution p.Met260Leu. To our knowledge, this variant has not been reported in the literature in individuals with SMARCA4-related conditions. This variant is reported in 0.0016% of alleles in individuals of European (Non-Finnish) descent in gnomAD and has conflicting interpretations in ClinVar ranging from likely benign to uncertain (Variation ID: 422533). At this time, the clinical significance of this variant is uncertain due to the absence of conclusive functional and genetic evidence.

Labcorp Genetics (formerly Invitae), Labcorp
Classification: Uncertain significance for Rhabdoid tumor predisposition syndrome 2. Last evaluated: 2026-02-03. Review status: criteria provided, single submitter. Criteria: Invitae Variant Classification Sherloc (09022015). Collection method: clinical testing. Allele origin: germline.
Comment: This sequence change replaces methionine, which is neutral and non-polar, with leucine, which is neutral and non-polar, at codon 260 of the SMARCA4 protein (p.Met260Leu). This variant is present in population databases (no rsID available, gnomAD 0.002%). This variant has not been reported in the literature in individuals affected with SMARCA4-related conditions. ClinVar contains an entry for this variant (Variation ID: 422533). An algorithm developed to predict the effect of missense changes on protein structure and function (PolyPhen-2) suggests that this variant is likely to be tolerated. In summary, the available evidence is currently insufficient to determine the role of this variant in disease. Therefore, it has been classified as a Variant of Uncertain Significance.

GeneDx
Classification: Uncertain significance. Last evaluated: 2024-12-30. Review status: criteria provided, single submitter. Criteria: GeneDx Variant Classification Process June 2021. Collection method: clinical testing. Allele origin: germline. Affected: yes.
Comment: In silico analysis indicates that this missense variant does not alter protein structure/function; Has not been previously published as pathogenic or benign to our knowledge; This variant is associated with the following publications: (PMID: 27930734)

Quest Diagnostics Nichols Institute San Juan Capistrano
Classification: Uncertain significance. Last evaluated: 2024-04-04. Review status: criteria provided, single submitter. Criteria: Quest Diagnostics criteria. Collection method: clinical testing. Allele origin: unknown.
Comment: The SMARCA4 c.778A>C (p.Met260Leu) variant has not been reported in individuals with SMARCA4-related conditions in the published literature. The frequency of this variant in the general population, 0.00004 (2/50380 chromosomes (Genome Aggregation Database)), is uninformative in the assessment of its pathogenicity. Analysis of this variant using bioinformatics tools for the prediction of the effect of amino acid changes on protein structure and function yielded predictions that this variant is benign. Based on the available information, we are unable to determine the clinical significance of this variant.

Baylor Genetics
Classification: Uncertain significance for Rhabdoid tumor predisposition syndrome 2. Last evaluated: 2023-09-19. Review status: criteria provided, single submitter. Criteria: ACMG Guidelines, 2015. Collection method: clinical testing. Allele origin: unknown.

Sema4
Classification: Uncertain significance for Hereditary cancer-predisposing syndrome. Last evaluated: 2021-11-16. Review status: criteria provided, single submitter. Criteria: Sema4 Curation Guidelines. Collection method: curation. Allele origin: germline.
Comment: To the best of our knowledge, the SMARCA4 c.778A>C (p.M260L) variant has not been reported in individuals with SMARCA4-related disease. It was observed in 2/128476 chromosomes of the Non-Finnish European subpopulation in the large and broad cohorts of the Genome Aggregation Database (PMID: 32461654). The variant has been reported in ClinVar (Variation ID: 422533). Functional studies have not been performed, and in silico predictions of the variant's effect on protein function are inconclusive. The evidence is insufficient to meet ACMG/AMP criteria for classifying the variant as benign or pathogenic. Thus, the clinical significance of this variant is currently uncertain.

Genome-Nilou Lab
Classification: Uncertain significance for Intellectual disability, autosomal dominant 16. Last evaluated: 2021-07-15. Review status: criteria provided, single submitter. Criteria: ACMG Guidelines, 2015. Collection method: clinical testing. Allele origin: germline. Affected: no.

Ambry Genetics
Classification: Likely benign for Hereditary cancer-predisposing syndrome. Last evaluated: 2021-03-04. Review status: criteria provided, single submitter. Criteria: Ambry Variant Classification Scheme 2023. Collection method: clinical testing. Allele origin: germline.

Fulgent Genetics
Classification: Uncertain significance for Rhabdoid tumor predisposition syndrome 2; Intellectual disability, autosomal dominant 16. Last evaluated: 2018-10-31. Review status: criteria provided, single submitter. Criteria: ACMG Guidelines, 2015. Collection method: clinical testing. Allele origin: unknown.

CeGaT Center for Human Genetics Tuebingen
Classification: Uncertain significance. Last evaluated: 2018-03-01. Review status: criteria provided, single submitter. Criteria: CeGaT Center For Human Genetics Tuebingen Variant Classification Criteria Version 2. Collection method: clinical testing. Allele origin: germline. Affected: yes. Observed: 1 variant allele.

Literature cited by the submitters: PubMed 27930734 (cited by Quest Diagnostics Nichols Institute San Juan Capistrano and Ambry Genetics).

NM_003072.5(SMARCA4):c.778A>C (p.Met260Leu)

Gene: SMARCA4 (SWI/SNF related BAF chromatin remodeling complex subunit ATPase 4; plus strand). Cytogenetic location: 19p13.2.
Variant type: single nucleotide variant.
Coding change: c.778A>C on transcript NM_003072.5 (MANE Select); coding-DNA position 778, A replaced by C.
Protein change: p.Met260Leu; replaces methionine 260 with leucine.
Molecular consequence: missense variant. On other transcripts: non-coding transcript variant (1).
Genome position (GRCh38, 1-based): chr19:10,986,922, A>C. VCF-style: chr19-10986922-A-C. GRCh37 (hg19) VCF-style: chr19-11097598-A-C.
Other names: c.778A>C, p.Met260Leu (NM_001128844.3, NM_001128845.2, NM_001128846.2 and 5 more transcripts); short protein forms M260L.
Identifiers: ClinVar variation 422533 (VCV000422533.66), dbSNP rs1064795842, ClinGen allele CA16620727.